The following is an entry in ClinVar:

NM_000483.5(APOC2):c.233G>A (p.Ser78Asn)

Genes: APOC2 (apolipoprotein C2; plus strand), APOC4-APOC2 (APOC4-APOC2 readthrough (NMD candidate); plus strand). Cytogenetic location: 19q13.32.
Variant type: single nucleotide variant.
Coding change: c.233G>A on transcript NM_000483.5 (MANE Select); coding-DNA position 233, G replaced by A.
Protein change: p.Ser78Asn; replaces serine 78 with asparagine.
Molecular consequence: missense variant. On other transcripts: non-coding transcript variant (1).
Genome position (GRCh38, 1-based): chr19:44,949,176, G>A. VCF-style: chr19-44949176-G-A. GRCh37 (hg19) VCF-style: chr19-45452433-G-A.
Other names: short protein forms S78N.
Identifiers: ClinVar variation 3231813 (VCV003231813.1), dbSNP rs2513573369, ClinGen allele CA406295163.
Genomic context (GRCh38, chr19:44,949,176, plus strand): 5'-CCCCAGCCCCTCCTCCCTCTAACCATCTGTGCTTTCTCCCCAGGGACTTGTACAGCAAAA[G>A]CACAGCAGCCATGAGCACTTACACAGGCATTTTTACTGACCAAGTTCTTTCTGTGCTGAA-3'
Protein context (NP_000474.2, residues 68-88): DEKLRDLYSK[Ser78Asn]TAAMSTYTGI

ClinVar aggregate classification (germline): Uncertain significance (1 of 4 stars; one submission).

Conditions:
Cardiovascular phenotype. Identifiers: MedGen CN230736.

Submission:

Ambry Genetics
Classification: Uncertain significance for Cardiovascular phenotype. Last evaluated: 2024-03-13. Review status: criteria provided, single submitter. Criteria: Ambry Variant Classification Scheme 2023. Collection method: clinical testing. Allele origin: germline.
Comment: The p.S78N variant (also known as c.233G>A), located in coding exon 3 of the APOC2 gene, results from a G to A substitution at nucleotide position 233. The serine at codon 78 is replaced by asparagine, an amino acid with highly similar properties. This amino acid position is conserved. In addition, this alteration is predicted to be tolerated by in silico analysis. Based on the available evidence, the clinical significance of this alteration remains unclear.